The following is an entry in ClinVar:

NM_018843.4(SLC25A40):c.810T>C (p.Tyr270=)

Gene: SLC25A40 (solute carrier family 25 member 40; minus strand). Cytogenetic location: 7q21.12.
Variant type: single nucleotide variant.
Coding change: c.810T>C on transcript NM_018843.4 (MANE Select); coding-DNA position 810, T replaced by C.
Protein change: p.Tyr270=; no amino-acid change (tyrosine 270 retained).
Molecular consequence: synonymous variant.
Genome position (GRCh38, 1-based): chr7:87,841,646, A>G on the plus strand (T>C on the coding strand, the complement: SLC25A40 is on the minus strand). VCF-style: chr7-87841646-A-G. GRCh37 (hg19) VCF-style: chr7-87470961-A-G.
Identifiers: ClinVar variation 3052479 (VCV003052479.2), dbSNP rs143870605, ClinGen allele CA4329206.

ClinVar aggregate classification (germline): Likely benign (0 of 4 stars; one submission).

Conditions:
SLC25A40-related disorder. Also called: SLC25A40-related condition.

Allele frequency attached by ClinVar (database versions not stated): gnomAD exomes 0.00014; ExAC 0.00091; 1000 Genomes Project 0.00100; 1000 Genomes Project 30x 0.00109; gnomAD 0.00147; ESP Exome Variant Server 0.00163; TOPMed 0.00175.
gnomAD v4.1: 423 of 1,505,240 alleles (0.028%); highest among the groups gnomAD compares: African/African-American, 0.47%; no homozygotes.

Submission:

PreventionGenetics, part of Exact Sciences
Classification: Likely benign for SLC25A40-related condition. Last evaluated: 2019-09-18. Review status: no assertion criteria provided. Collection method: clinical testing. Allele origin: germline.
Comment: This variant is classified as likely benign based on ACMG/AMP sequence variant interpretation guidelines (Richards et al. 2015 PMID: 25741868, with internal and published modifications).